The following is an entry in ClinVar:

ClinVar aggregate classification (germline): Uncertain significance (1 of 4 stars; one submission).

Conditions:
Brugada syndrome. Also called: Sudden unexpected nocturnal death syndrome; Sudden unexplained nocturnal death syndrome; Sudden Unexplained Death Syndrome; Sudden Unexplained Nocturnal Death Syndrome (SUNDS). Identifiers: Orphanet 130, MedGen C1142166, MONDO:0015263.

gnomAD v4.1: 4 of 1,598,172 alleles (0.00025%); highest among the groups gnomAD compares: Non-Finnish European, 0.00034%; no homozygotes.

Submission:

Labcorp Genetics (formerly Invitae), Labcorp
Classification: Uncertain significance for Brugada syndrome. Last evaluated: 2025-06-24. Review status: criteria provided, single submitter. Criteria: Invitae Variant Classification Sherloc (09022015). Collection method: clinical testing. Allele origin: germline.
Comment: This sequence change replaces isoleucine, which is neutral and non-polar, with valine, which is neutral and non-polar, at codon 515 of the CACNA2D1 protein (p.Ile515Val). This variant is not present in population databases (gnomAD no frequency). This variant has not been reported in the literature in individuals affected with CACNA2D1-related conditions. ClinVar contains an entry for this variant (Variation ID: 3705931). An algorithm developed to predict the effect of missense changes on protein structure and function (PolyPhen-2) suggests that this variant is likely to be disruptive. In summary, the available evidence is currently insufficient to determine the role of this variant in disease. Therefore, it has been classified as a Variant of Uncertain Significance.

NM_000722.4(CACNA2D1):c.1543A>G (p.Ile515Val)

Gene: CACNA2D1 (calcium voltage-gated channel auxiliary subunit alpha2delta 1; minus strand). Cytogenetic location: 7q21.11.
Variant type: single nucleotide variant.
Coding change: c.1543A>G on transcript NM_000722.4 (MANE Select); coding-DNA position 1543, A replaced by G.
Protein change: p.Ile515Val; replaces isoleucine 515 with valine.
Molecular consequence: missense variant.
Genome position (GRCh38, 1-based): chr7:82,005,470, T>C on the plus strand (A>G on the coding strand, the complement: CACNA2D1 is on the minus strand). VCF-style: chr7-82005470-T-C. GRCh37 (hg19) VCF-style: chr7-81634786-T-C.
Other names: c.1543A>G, p.Ile515Val (NM_001366867.1); short protein forms I515V.
Identifiers: ClinVar variation 3705931 (VCV003705931.2).